The following is an entry in ClinVar:

ClinVar aggregate classification (germline): Uncertain significance (1 of 4 stars; one submission).

Allele frequency attached by ClinVar (database versions not stated): 1000 Genomes Project 30x 0.00016.
gnomAD v4.1: 1 of 1,614,232 alleles (0.000062%); highest among the groups gnomAD compares: Admixed American, 0.0017%; no homozygotes.

Submission:

Labcorp Genetics (formerly Invitae), Labcorp
Classification: Uncertain significance. Last evaluated: 2021-12-02. Review status: criteria provided, single submitter. Criteria: Invitae Variant Classification Sherloc (09022015). Collection method: clinical testing. Allele origin: germline.
Comment: In summary, the available evidence is currently insufficient to determine the role of this variant in disease. Therefore, it has been classified as a Variant of Uncertain Significance. Algorithms developed to predict the effect of missense changes on protein structure and function are either unavailable or do not agree on the potential impact of this missense change (SIFT: "Deleterious"; PolyPhen-2: "Benign"; Align-GVGD: "Class C65"). This variant has not been reported in the literature in individuals affected with LAMB1-related conditions. This variant is not present in population databases (gnomAD no frequency). This sequence change replaces aspartic acid, which is acidic and polar, with glycine, which is neutral and non-polar, at codon 1446 of the LAMB1 protein (p.Asp1446Gly).

NM_002291.3(LAMB1):c.4337A>G (p.Asp1446Gly)

Gene: LAMB1 (laminin subunit beta 1; minus strand). Cytogenetic location: 7q31.1.
Variant type: single nucleotide variant.
Coding change: c.4337A>G on transcript NM_002291.3 (MANE Select); coding-DNA position 4337, A replaced by G.
Protein change: p.Asp1446Gly; replaces aspartic acid 1446 with glycine.
Molecular consequence: missense variant.
Genome position (GRCh38, 1-based): chr7:107,932,229, T>C on the plus strand (A>G on the coding strand, the complement: LAMB1 is on the minus strand). VCF-style: chr7-107932229-T-C. GRCh37 (hg19) VCF-style: chr7-107572674-T-C.
Other names: short protein forms D1446G.
Identifiers: ClinVar variation 1381241 (VCV001381241.6), dbSNP rs573737336, ClinGen allele CA164269164.